The following is an entry in ClinVar:

NM_000059.4(BRCA2):c.3349A>G (p.Ile1117Val)

Gene: BRCA2 (BRCA2 DNA repair associated; plus strand). Cytogenetic location: 13q13.1.
Variant type: single nucleotide variant.
Coding change: c.3349A>G on transcript NM_000059.4 (MANE Select); coding-DNA position 3349, A replaced by G.
Protein change: p.Ile1117Val; replaces isoleucine 1117 with valine.
Molecular consequence: missense variant.
Genome position (GRCh38, 1-based): chr13:32,337,704, A>G. VCF-style: chr13-32337704-A-G. GRCh37 (hg19) VCF-style: chr13-32911841-A-G.
Other names: 3577A>G; short protein forms I1117V.
Identifiers: ClinVar variation 37837 (VCV000037837.25), dbSNP rs397507307, ClinGen allele CA017820.

ClinVar aggregate classification (germline): Conflicting classifications of pathogenicity. Review status: criteria provided, conflicting classifications (1 of 4 stars). 7 submissions from 7 submitters: Uncertain significance (5); Likely benign (1). 1 of the submissions does not count toward it. Last evaluated 2025-11-10.

Conditions:
Hereditary cancer-predisposing syndrome. Also called: Tumor predisposition; Neoplastic Syndromes, Hereditary; Hereditary neoplastic syndrome; Hereditary Cancer Syndrome. Identifiers: Orphanet 140162, MedGen C0027672, MeSH D009386, MONDO:0015356.
Hereditary breast ovarian cancer syndrome. Also called: Hereditary breast and ovarian cancer; Hereditary breast and ovarian cancer syndrome (HBOC); Hereditary breast and/or ovarian cancer syndrome; Breast and ovarian cancer; Hereditary breast and ovarian cancer syndrome; BRCA1- and BRCA2-Associated Hereditary Breast and Ovarian Cancer. Identifiers: Orphanet 145, MedGen C0677776, MeSH D061325, MONDO:0003582. Disease mechanism: loss of function.
Breast-ovarian cancer, familial, susceptibility to, 2 (BROVCA2). Also called: BRCA2 Hereditary Breast and Ovarian Cancer. Identifiers: Orphanet 145, MedGen C2675520, MONDO:0012933, OMIM 612555. Disease mechanism: loss of function.

Allele frequency attached by ClinVar (database versions not stated): gnomAD exomes below 0.00001.
gnomAD v4.1: 1 of 1,612,366 alleles (0.000062%); highest among the groups gnomAD compares: Non-Finnish European, 0.000085%; no homozygotes.

Submissions (7):

Labcorp Genetics (formerly Invitae), Labcorp
Classification: Uncertain significance for Hereditary breast ovarian cancer syndrome. Last evaluated: 2025-11-10. Review status: criteria provided, single submitter. Criteria: Invitae Variant Classification Sherloc (09022015). Collection method: clinical testing. Allele origin: germline.
Comment: This sequence change replaces isoleucine, which is neutral and non-polar, with valine, which is neutral and non-polar, at codon 1117 of the BRCA2 protein (p.Ile1117Val). This variant is not present in population databases (gnomAD no frequency). This variant has not been reported in the literature in individuals affected with BRCA2-related conditions. ClinVar contains an entry for this variant (Variation ID: 37837). Invitae Evidence Modeling of protein sequence and biophysical properties (such as structural, functional, and spatial information, amino acid conservation, physicochemical variation, residue mobility, and thermodynamic stability) indicates that this missense variant is not expected to disrupt BRCA2 protein function with a negative predictive value of 95%. In summary, the available evidence is currently insufficient to determine the role of this variant in disease. Therefore, it has been classified as a Variant of Uncertain Significance.

Quest Diagnostics Nichols Institute San Juan Capistrano
Classification: Uncertain significance. Last evaluated: 2025-09-17. Review status: criteria provided, single submitter. Criteria: Quest Diagnostics criteria. Collection method: clinical testing. Allele origin: unknown.
Comment: The BRCA2 c.3349A>G (p.Ile1117Val) variant has been reported in the published literature in an individual with colorectal cancer (PMID: 31428572 (2019)) and located in a region of the BRCA2 gene that is tolerant to missense sequence changes (PMID: 31911673 (2020)). This variant has also been identified in reportedly unaffected individuals (PMID: 36243179 (2022), 30287823 (2018)). This variant has not been reported in large, multi-ethnic general populations (Genome Aggregation Database). Analysis of this variant using bioinformatics tools for the prediction of the effect of amino acid changes on protein structure and function yielded conflicting predictions that this variant is benign or damaging. Based on the available information, we are unable to determine the clinical significance of this variant.

Color Diagnostics, LLC DBA Color Health
Classification: Uncertain significance for Hereditary cancer-predisposing syndrome. Last evaluated: 2024-11-13. Review status: criteria provided, single submitter. Criteria: ACMG Guidelines, 2015. Collection method: clinical testing. Allele origin: germline.
Comment: This missense variant replaces isoleucine with valine at codon 1117 of the BRCA2 protein. Computational prediction suggests that this variant may not impact protein structure and function. To our knowledge, functional studies have not been reported for this variant. This variant has not been reported in individuals affected with BRCA2-related disorders in the literature. This variant has not been identified in the general population by the Genome Aggregation Database (gnomAD). The available evidence is insufficient to determine the role of this variant in disease conclusively. Therefore, this variant is classified as a Variant of Uncertain Significance.

Ambry Genetics
Classification: Uncertain significance for Hereditary cancer-predisposing syndrome. Last evaluated: 2024-04-02. Review status: criteria provided, single submitter. Criteria: Ambry Variant Classification Scheme 2023. Collection method: clinical testing. Allele origin: germline.
Comment: The p.I1117V variant (also known as c.3349A>G), located in coding exon 10 of the BRCA2 gene, results from an A to G substitution at nucleotide position 3349. The isoleucine at codon 1117 is replaced by valine, an amino acid with highly similar properties. This alteration was not observed in 53 unselected male breast cancer patients and was observed with an allele frequency of 0.0001 in 12,490 male controls of Japanese ancestry (Momozawa Y et al. Nat Commun, 2018 10;9:4083). This amino acid position is highly conserved in available vertebrate species. In addition, this alteration is predicted to be tolerated by in silico analysis. Since supporting evidence is limited at this time, the clinical significance of this alteration remains unclear.

University of Washington Department of Laboratory Medicine, University of Washington
Classification: Likely benign for Hereditary cancer-predisposing syndrome. Last evaluated: 2023-03-23. Review status: criteria provided, single submitter. Criteria: Dines et al. (Genet Med. 2020). Collection method: curation. Allele origin: germline.
Comment: Missense variant in a coldspot region where missense variants are very unlikely to be pathogenic (PMID:31911673).

BRCA2 exon 11 coldspot. Reclassification based on statistical prior probability.

GeneDx
Classification: Uncertain significance. Last evaluated: 2022-07-27. Review status: criteria provided, single submitter. Criteria: GeneDx Variant Classification Process June 2021. Collection method: clinical testing. Allele origin: germline. Affected: yes.
Comment: Not observed at significant frequency in large population cohorts (gnomAD); In silico analysis supports that this missense variant does not alter protein structure/function; Has not been previously published in association with BRCA2-related disorders to our knowledge; This variant is associated with the following publications: (PMID: 32437773, 30287823)

Sharing Clinical Reports Project (SCRP)
Classification: Uncertain significance for Breast-ovarian cancer, familial 2. Last evaluated: 2010-03-16. Review status: no assertion criteria provided. Collection method: clinical testing. Allele origin: germline. Not counted in ClinVar's aggregate classification.

Literature cited by the submitters: PubMed 30287823 (cited by Quest Diagnostics Nichols Institute San Juan Capistrano and Ambry Genetics); PubMed 36243179 (cited by Quest Diagnostics Nichols Institute San Juan Capistrano); PubMed 31911673 (cited by Quest Diagnostics Nichols Institute San Juan Capistrano); PubMed 31428572 (cited by Quest Diagnostics Nichols Institute San Juan Capistrano).